The following is an entry in ClinVar:

ClinVar aggregate classification (germline): Uncertain significance (1 of 4 stars; one submission).

Conditions:
Hereditary cancer-predisposing syndrome. Also called: Hereditary Cancer Syndrome; Hereditary neoplastic syndrome; Neoplastic Syndromes, Hereditary; Tumor predisposition. Identifiers: Orphanet 140162, MedGen C0027672, MeSH D009386, MONDO:0015356.

Allele frequency attached by ClinVar (database versions not stated): gnomAD exomes below 0.00001.
gnomAD v4.1: 1 of 1,614,176 alleles (0.000062%); highest among the groups gnomAD compares: African/African-American, 0.0013%; no homozygotes.

Submission:

Ambry Genetics
Classification: Uncertain significance for Hereditary cancer-predisposing syndrome. Last evaluated: 2020-09-02. Review status: criteria provided, single submitter. Criteria: Ambry Variant Classification Scheme 2023. Collection method: clinical testing. Allele origin: germline.
Comment: The p.Q466R variant (also known as c.1397A>G), located in coding exon 10 of the PTCH1 gene, results from an A to G substitution at nucleotide position 1397. The glutamine at codon 466 is replaced by arginine, an amino acid with highly similar properties. This amino acid position is highly conserved in available vertebrate species. In addition, this alteration is predicted to be deleterious by in silico analysis. Since supporting evidence is limited at this time, the clinical significance of this alteration remains unclear.

NM_000264.5(PTCH1):c.1397A>G (p.Gln466Arg)

Gene: PTCH1 (patched 1; minus strand). Cytogenetic location: 9q22.32.
Variant type: single nucleotide variant.
Coding change: c.1397A>G on transcript NM_000264.5 (MANE Select); coding-DNA position 1397, A replaced by G.
Protein change: p.Gln466Arg; replaces glutamine 466 with arginine.
Molecular consequence: missense variant. On other transcripts: non-coding transcript variant (1), intron variant (1).
Genome position (GRCh38, 1-based): chr9:95,477,653, T>C on the plus strand (A>G on the coding strand, the complement: PTCH1 is on the minus strand). VCF-style: chr9-95477653-T-C. GRCh37 (hg19) VCF-style: chr9-98239935-T-C.
Other names: c.1199A>G, p.Gln400Arg (NM_001083602.3); c.1394A>G, p.Gln465Arg (NM_001083603.3); c.944A>G, p.Gln315Arg (NM_001083604.3, NM_001083605.3, NM_001083606.3 and 1 more transcripts); c.1347+402A>G (NM_001354918.2); short protein forms Q466R, Q465R, Q315R, Q400R.
Identifiers: ClinVar variation 1771655 (VCV001771655.2), dbSNP rs1301633215, ClinGen allele CA374118579.
Genomic context (GRCh38, chr9:95,477,653, plus strand): 5'-CCCAGTCCTGCAGCCACTGACAGTGCAACCAGCAGGACGCCAGCCAGCCCCACGGCACCC[T>C]GGGACTTGGAGCAGTCCCAGCGCAGCATGGTTAGACAGGCATAGGCGAGCTGCAAGCAGA-3'
Protein context (NP_000255.2, residues 456-476): TMLRWDCSKS[Gln466Arg]GAVGLAGVLL